The following is an entry in ClinVar:

ClinVar aggregate classification (germline): Uncertain significance. Review status: criteria provided, multiple submitters, no conflicts (2 of 4 stars). 2 submissions from 2 submitters: Uncertain significance (2). Last evaluated 2026-07-01.

Conditions:
TJP2-related disorder. Also called: TJP2-related condition.

gnomAD v4.1: 1 of 1,614,252 alleles (0.000062%); highest among the groups gnomAD compares: Admixed American, 0.0017%; no homozygotes.

Submissions (2):

PreventionGenetics, part of Exact Sciences
Classification: Uncertain significance for TJP2-related condition. Last evaluated: 2026-07-01. Review status: criteria provided, single submitter. Criteria: ACMG Guidelines, 2015. Collection method: clinical testing. Allele origin: germline.
Comment: The TJP2 c.3419C>T variant is predicted to result in the amino acid substitution p.Pro1140Leu. To our knowledge, this variant has not been reported in the literature. This variant is reported in 0.0029% of alleles in individuals of Latino descent in gnomAD. At this time, the clinical significance of this variant is uncertain due to the absence of conclusive functional and genetic evidence.

GeneDx
Classification: Uncertain significance. Last evaluated: 2026-04-10. Review status: criteria provided, single submitter. Criteria: GeneDx Variant Classification Process June 2021. Collection method: clinical testing. Allele origin: germline.
Comment: Not observed at significant frequency in large population cohorts (gnomAD); In silico analysis supports that this missense variant has a deleterious effect on protein structure/function; Has not been previously published as pathogenic or benign to our knowledge

NM_004817.4(TJP2):c.3419C>T (p.Pro1140Leu)

Gene: TJP2 (tight junction protein 2; plus strand). Cytogenetic location: 9q21.11.
Variant type: single nucleotide variant.
Coding change: c.3419C>T on transcript NM_004817.4 (MANE Select); coding-DNA position 3419, C replaced by T.
Protein change: p.Pro1140Leu; replaces proline 1140 with leucine.
Molecular consequence: missense variant.
Genome position (GRCh38, 1-based): chr9:69,254,220, C>T. VCF-style: chr9-69254220-C-T. GRCh37 (hg19) VCF-style: chr9-71869136-C-T.
Other names: c.2909C>T, p.Pro970Leu (NM_001170414.2); c.3320C>T, p.Pro1107Leu (NM_001170415.1); c.3512C>T, p.Pro1171Leu (NM_001170416.2); c.3344C>T, p.Pro1115Leu (NM_001369870.1); c.3350C>T, p.Pro1117Leu (NM_001369871.1); c.3308C>T, p.Pro1103Leu (NM_001369872.1); c.3095C>T, p.Pro1032Leu (NM_001369873.1); c.2990C>T, p.Pro997Leu (NM_001369874.1); and 2 more; short protein forms P1032L, P1103L, P993L, P997L, P970L, P1144L, P1171L, P1107L.
Identifiers: ClinVar variation 4998543 (VCV004998543.2).